The following is an entry in ClinVar:

ClinVar aggregate classification (germline): Uncertain significance. Review status: criteria provided, multiple submitters, no conflicts (2 of 4 stars). 3 submissions from 3 submitters: Uncertain significance (3). Last evaluated 2025-11-25.

Conditions:
Familial thoracic aortic aneurysm and aortic dissection (TAAD). Also called: Thoracic aortic aneurysms and dissections. Identifiers: Orphanet 91387, MedGen C4707243, MONDO:0019625.

Allele frequency attached by ClinVar (database versions not stated): gnomAD 0.00001 and 0.00002; gnomAD exomes 0.00002; TOPMed 0.00003.
gnomAD v4.1: 21 of 991,670 alleles (0.0021%); highest among the groups gnomAD compares: Non-Finnish European, 0.0024%; no homozygotes.

Submissions (3):

Labcorp Genetics (formerly Invitae), Labcorp
Classification: Uncertain significance for Familial thoracic aortic aneurysm and aortic dissection. Last evaluated: 2025-11-25. Review status: criteria provided, single submitter. Criteria: Invitae Variant Classification Sherloc (09022015). Collection method: clinical testing. Allele origin: germline.
Comment: This sequence change replaces glycine, which is neutral and non-polar, with valine, which is neutral and non-polar, at codon 30 of the TGFBR1 protein (p.Gly30Val). The frequency data for this variant in the population databases is considered unreliable, as metrics indicate insufficient coverage at this position in the gnomAD database. This missense change has been observed in individual(s) with clinical features of TGFBR1-related disease (internal data). ClinVar contains an entry for this variant (Variation ID: 477565). Invitae Evidence Modeling of protein sequence and biophysical properties (such as structural, functional, and spatial information, amino acid conservation, physicochemical variation, residue mobility, and thermodynamic stability) indicates that this missense variant is not expected to disrupt TGFBR1 protein function with a negative predictive value of 95%. In summary, the available evidence is currently insufficient to determine the role of this variant in disease. Therefore, it has been classified as a Variant of Uncertain Significance.

Blueprint Genetics
Classification: Uncertain significance. Last evaluated: 2021-11-20. Review status: criteria provided, single submitter. Criteria: ACMG Guidelines, 2015. Collection method: clinical testing. Allele origin: germline.

Ambry Genetics
Classification: Uncertain significance for Familial thoracic aortic aneurysm and aortic dissection. Last evaluated: 2020-03-23. Review status: criteria provided, single submitter. Criteria: Ambry Variant Classification Scheme 2023. Collection method: clinical testing. Allele origin: germline.
Comment: The p.G30V variant (also known as c.89G>T), located in coding exon 1 of the TGFBR1 gene, results from a G to T substitution at nucleotide position 89. The glycine at codon 30 is replaced by valine, an amino acid with dissimilar properties. This amino acid position is well conserved in available vertebrate species; however, valine is the reference amino acid in other vertebrate species. In addition, the in silico prediction for this alteration is inconclusive. Since supporting evidence is limited at this time, the clinical significance of this alteration remains unclear.

NM_004612.4(TGFBR1):c.89G>T (p.Gly30Val)

Gene: TGFBR1 (transforming growth factor beta receptor 1; plus strand). Cytogenetic location: 9q22.33.
Variant type: single nucleotide variant.
Coding change: c.89G>T on transcript NM_004612.4 (MANE Select); coding-DNA position 89, G replaced by T.
Protein change: p.Gly30Val; replaces glycine 30 with valine.
Molecular consequence: missense variant.
Genome position (GRCh38, 1-based): chr9:99,105,294, G>T. VCF-style: chr9-99105294-G-T. GRCh37 (hg19) VCF-style: chr9-101867576-G-T.
Other names: c.89G>T, p.Gly30Val (NM_001130916.3, NM_001306210.2); short protein forms G30V.
Identifiers: ClinVar variation 477565 (VCV000477565.15), dbSNP rs1381354900, ClinGen allele CA374223881.